The following is an entry in ClinVar:

ClinVar aggregate classification (germline): Uncertain significance. Review status: criteria provided, multiple submitters, no conflicts (2 of 4 stars). 3 submissions from 3 submitters: Uncertain significance (3). Last evaluated 2022-02-03.

Conditions:
Inborn genetic diseases. Identifiers: MedGen C0950123, MeSH D030342.
Biotin-responsive basal ganglia disease (BTBGD). Also called: Thiamine metabolism dysfunction syndrome type 2; Thiamine metabolism dysfunction syndrome 2 (biotin- or thiamine-responsive encephalopathy type 2); thiamine-responsive encephalopathy; Thiamine Transporter-2 Deficiency; THIAMINE METABOLISM DYSFUNCTION SYNDROME 2 (BIOTIN- AND THIAMINE-RESPONSIVE TYPE). Identifiers: Orphanet 199348, Orphanet 65284, MedGen C1843807, MONDO:0011841, OMIM 607483.

Allele frequency attached by ClinVar (database versions not stated): gnomAD exomes below 0.00001 and 0.00001; gnomAD 0.00001; TOPMed 0.00002.
gnomAD v4.1: 9 of 1,613,932 alleles (0.00056%); highest among the groups gnomAD compares: Non-Finnish European, 0.000085%; no homozygotes.

Submissions (3):

Ambry Genetics
Classification: Uncertain significance for Inborn genetic diseases. Last evaluated: 2022-02-03. Review status: criteria provided, single submitter. Criteria: Ambry Variant Classification Scheme 2023. Collection method: clinical testing. Allele origin: germline.

Labcorp Genetics (formerly Invitae), Labcorp
Classification: Uncertain significance for Biotin-responsive basal ganglia disease. Last evaluated: 2021-08-31. Review status: criteria provided, single submitter. Criteria: Invitae Variant Classification Sherloc (09022015). Collection method: clinical testing. Allele origin: germline.
Comment: This sequence change replaces glycine with glutamic acid at codon 154 of the SLC19A3 protein (p.Gly154Glu). The glycine residue is weakly conserved and there is a moderate physicochemical difference between glycine and glutamic acid. This variant is not present in population databases (ExAC no frequency). This variant has not been reported in the literature in individuals affected with SLC19A3-related conditions. Algorithms developed to predict the effect of missense changes on protein structure and function are either unavailable or do not agree on the potential impact of this missense change (SIFT: "Deleterious"; PolyPhen-2: "Probably Damaging"; Align-GVGD: "Class C0"). In summary, the available evidence is currently insufficient to determine the role of this variant in disease. Therefore, it has been classified as a Variant of Uncertain Significance.

GeneDx
Classification: Uncertain significance. Last evaluated: 2019-09-06. Review status: criteria provided, single submitter. Criteria: GeneDx Variant Classification Process June 2021. Collection method: clinical testing. Allele origin: germline. Affected: yes.
Comment: Not observed at a significant frequency in large population cohorts (Lek et al., 2016); In silico analysis, which includes protein predictors and evolutionary conservation, supports a deleterious effect; Has not been previously published as pathogenic or benign to our knowledge

NM_025243.4(SLC19A3):c.461G>A (p.Gly154Glu)

Gene: SLC19A3 (solute carrier family 19 member 3; minus strand). Cytogenetic location: 2q36.3.
Variant type: single nucleotide variant.
Coding change: c.461G>A on transcript NM_025243.4 (MANE Select); coding-DNA position 461, G replaced by A.
Protein change: p.Gly154Glu; replaces glycine 154 with glutamic acid.
Molecular consequence: missense variant.
Genome position (GRCh38, 1-based): chr2:227,699,254, C>T on the plus strand (G>A on the coding strand, the complement: SLC19A3 is on the minus strand). VCF-style: chr2-227699254-C-T. GRCh37 (hg19) VCF-style: chr2-228563970-C-T.
Other names: short protein forms G154E.
Identifiers: ClinVar variation 464953 (VCV000464953.6), dbSNP rs202145913, ClinGen allele CA66660505.